The following is an entry in ClinVar:

NM_144670.6(A2ML1):c.2108C>T (p.Thr703Ile)

Gene: A2ML1 (alpha-2-macroglobulin like 1; plus strand). Cytogenetic location: 12p13.31.
Variant type: single nucleotide variant.
Coding change: c.2108C>T on transcript NM_144670.6 (MANE Select); coding-DNA position 2108, C replaced by T.
Protein change: p.Thr703Ile; replaces threonine 703 with isoleucine.
Molecular consequence: missense variant.
Genome position (GRCh38, 1-based): chr12:8,849,748, C>T. VCF-style: chr12-8849748-C-T. GRCh37 (hg19) VCF-style: chr12-9002344-C-T.
Other names: c.635C>T, p.Thr212Ile (NM_001282424.3); short protein forms T212I, T703I.
Identifiers: ClinVar variation 4858594 (VCV004858594.1).
Genomic context (GRCh38, chr12:8,849,748, plus strand): 5'-TGTCCAATGCCAAAATCAAGAAGCCAGTAGATTGCAGTCACAGATCTCCAGAATACAGCA[C>T]TGCTATGGGTGGTAAGCCACCTCTGTGGTCTGTGGATTCTCTGAGATGTTAACAGTCCTG-3'
Protein context (NP_653271.3, residues 693-713): DCSHRSPEYS[Thr703Ile]AMGAGGGHPE

ClinVar aggregate classification (germline): Uncertain significance (1 of 4 stars; one submission).

gnomAD v4.1: 1 of 1,614,150 alleles (0.000062%); highest among the groups gnomAD compares: Admixed American, 0.0017%; no homozygotes.

Submission:

Ambry Genetics
Classification: Uncertain significance. Last evaluated: 2026-04-12. Review status: criteria provided, single submitter. Criteria: Ambry Variant Classification Scheme 2023. Collection method: clinical testing. Allele origin: germline.
Comment: The p.T703I variant (also known as c.2108C>T), located in coding exon 17 of the A2ML1 gene, results from a C to T substitution at nucleotide position 2108. The threonine at codon 703 is replaced by isoleucine, an amino acid with similar properties. This amino acid position is conserved. In addition, this alteration is predicted to be tolerated by in silico analysis. Based on the available evidence, the clinical significance of this variant remains unclear.